The following is an entry in ClinVar:

NM_033380.3(COL4A5):c.4367del (p.Pro1456fs)

Gene: COL4A5 (collagen type IV alpha 5 chain; plus strand). Cytogenetic location: Xq22.3.
Variant type: Deletion.
Coding change: c.4367del on transcript NM_033380.3 (MANE Select); coding-DNA position 4367, one base deleted (C; older notation c.4367delC).
Protein change: p.Pro1456fs; shifts the reading frame from proline 1456.
Molecular consequence: frameshift variant.
Genome position (GRCh38, 1-based): chrX:108,687,533, C deleted; the last of 5 consecutive C bases (chrX:108,687,529-108,687,533); deleting any one gives the same sequence. VCF-style (leftmost placement, unchanged base first): chrX-108687528-TC-T. GRCh37 (hg19) VCF-style: chrX-107930758-TC-T.
Other names: c.4349del, p.Pro1450fs (NM_000495.5); short protein forms P1456fs, P1450fs.
Identifiers: ClinVar variation 5038081 (VCV005038081.1), dbSNP rs104886275.

ClinVar aggregate classification (germline): Pathogenic (1 of 4 stars; one submission).

Conditions:
X-linked Alport syndrome (ATS1). Also called: COL4A5-Related Nephropathy; NEPHROPATHY AND DEAFNESS, X-LINKED. Identifiers: Orphanet 63, Orphanet 88917, MedGen C4746986, MONDO:0010520, OMIM 301050.

Submission:

MVZ Medizinische Genetik Mainz
Classification: Pathogenic for X-linked Alport syndrome. Last evaluated: 2025-01-03. Review status: criteria provided, single submitter. Criteria: UK Practice Guidelines For Variant Classification V4 01 2020. Collection method: clinical testing. Allele origin: germline. Inheritance: X-linked dominant inheritance. Affected: yes. Observed: 1 variant allele.
Comment: ACMG Criteria: PVS1,PS4_SUP,PM2_SUP,PP4